The following is an entry in ClinVar:

NM_001363711.2(DUOX2):c.2334+2T>G

Gene: DUOX2 (dual oxidase 2; minus strand). Cytogenetic location: 15q21.1.
Variant type: single nucleotide variant.
Coding change: c.2334+2T>G on transcript NM_001363711.2 (MANE Select); the canonical splice donor site of the intron after coding-DNA position 2334, T replaced by G.
Molecular consequence: splice donor variant.
Genome position (GRCh38, 1-based): chr15:45,105,641, A>C on the plus strand (T>G on the coding strand, the complement: DUOX2 is on the minus strand). VCF-style: chr15-45105641-A-C. GRCh37 (hg19) VCF-style: chr15-45397839-A-C.
Other names: c.2334+2T>G (NM_014080.5).
Identifiers: ClinVar variation 2860042 (VCV002860042.3), dbSNP rs2504764413, ClinGen allele CA392269929.

ClinVar aggregate classification (germline): Likely pathogenic (1 of 4 stars; one submission).

Submission:

Labcorp Genetics (formerly Invitae), Labcorp
Classification: Likely pathogenic. Last evaluated: 2024-01-21. Review status: criteria provided, single submitter. Criteria: Invitae Variant Classification Sherloc (09022015). Collection method: clinical testing. Allele origin: germline.
Comment: This sequence change affects a donor splice site in intron 18 of the DUOX2 gene. It is expected to disrupt RNA splicing. Variants that disrupt the donor or acceptor splice site typically lead to a loss of protein function (PMID: 16199547), and loss-of-function variants in DUOX2 are known to be pathogenic (PMID: 12110737, 18765513, 21565790, 24423310, 24735383). This variant is not present in population databases (gnomAD no frequency). This variant has not been reported in the literature in individuals affected with DUOX2-related conditions. Algorithms developed to predict the effect of sequence changes on RNA splicing suggest that this variant may disrupt the consensus splice site. In summary, the currently available evidence indicates that the variant is pathogenic, but additional data are needed to prove that conclusively. Therefore, this variant has been classified as Likely Pathogenic.

Literature cited by the submitters: PubMed 16199547; PubMed 12110737; PubMed 18765513; PubMed 21565790; PubMed 24423310; PubMed 24735383.